The following is an entry in ClinVar:

ClinVar aggregate classification (germline): Benign (0 of 4 stars; one submission).

Conditions:
MAP3K15-related disorder. Also called: MAP3K15-related condition.

Allele frequency attached by ClinVar (database versions not stated): TOPMed 0.00213; 1000 Genomes Project 30x 0.00229; 1000 Genomes Project 0.00238; ESP Exome Variant Server 0.00256; gnomAD 0.00339; gnomAD exomes 0.00392; ExAC 0.00685.
gnomAD v4.1: 4,655 of 1,205,146 alleles (0.39%); highest among the groups gnomAD compares: South Asian, 0.59%; 20 homozygotes.

Submission:

PreventionGenetics, part of Exact Sciences
Classification: Benign for MAP3K15-related condition. Last evaluated: 2019-09-18. Review status: no assertion criteria provided. Collection method: clinical testing. Allele origin: germline.
Comment: This variant is classified as benign based on ACMG/AMP sequence variant interpretation guidelines (Richards et al. 2015 PMID: 25741868, with internal and published modifications).

NM_001001671.4(MAP3K15):c.2512G>A (p.Gly838Ser)

Gene: MAP3K15 (mitogen-activated protein kinase kinase kinase 15; minus strand). Cytogenetic location: Xp22.12.
Variant type: single nucleotide variant.
Coding change: c.2512G>A on transcript NM_001001671.4 (MANE Select); coding-DNA position 2512, G replaced by A.
Protein change: p.Gly838Ser; replaces glycine 838 with serine.
Molecular consequence: missense variant.
Genome position (GRCh38, 1-based): chrX:19,380,197, C>T on the plus strand (G>A on the coding strand, the complement: MAP3K15 is on the minus strand). VCF-style: chrX-19380197-C-T. GRCh37 (hg19) VCF-style: chrX-19398315-C-T.
Other names: short protein forms G838S.
Identifiers: ClinVar variation 3053533 (VCV003053533.2), dbSNP rs56381411, ClinGen allele CA10363734.
Genomic context (GRCh38, chrX:19,380,197, plus strand): 5'-GCGGCTCACCAAGCTCATGGAACGGAGGCTTGCTGGTGGCCATCTCAATGATGGTGCAGC[C>T]CAGGGACCAGATATCGGCTGGGGCACCATATCCGCGAGGCCCTTGGTCAATTATCTCAGG-3'
Protein context (NP_001001671.3, residues 828-848): YGAPADIWSL[Gly838Ser]CTIIEMATSK